The following is an entry in ClinVar:

ClinVar aggregate classification (germline): Benign/Likely benign. Review status: criteria provided, multiple submitters, no conflicts (2 of 4 stars). 8 submissions from 8 submitters: Benign (4); Likely benign (2). 2 of the submissions do not count toward it. Last evaluated 2026-03-01.

Conditions:
Cardiovascular phenotype. Identifiers: MedGen CN230736.
Brugada syndrome 8 (BRGDA8). Identifiers: Orphanet 130, MedGen C2751083, MONDO:0013148, OMIM 613123.

Allele frequency attached by ClinVar (database versions not stated): gnomAD exomes 0.00051; ExAC 0.00065; gnomAD 0.00186 and 0.00191; ESP Exome Variant Server 0.00201; TOPMed 0.00209; 1000 Genomes Project 0.00280; 1000 Genomes Project 30x 0.00312.
gnomAD v4.1: 660 of 1,599,036 alleles (0.041%); highest among the groups gnomAD compares: African/African-American, 0.68%; no homozygotes.

Submissions (8):

CeGaT Center for Human Genetics Tuebingen
Classification: Likely benign. Last evaluated: 2026-03-01. Review status: criteria provided, single submitter. Criteria: CeGaT Center For Human Genetics Tuebingen Variant Classification Criteria Version 2. Collection method: clinical testing. Allele origin: germline. Affected: yes. Observed: 1 variant allele.
Comment: HCN4: BS1

Labcorp Genetics (formerly Invitae), Labcorp
Classification: Benign for Brugada syndrome 8. Last evaluated: 2026-02-03. Review status: criteria provided, single submitter. Criteria: Invitae Variant Classification Sherloc (09022015). Collection method: clinical testing. Allele origin: germline.

Blueprint Genetics
Classification: Likely benign. Last evaluated: 2024-11-13. Review status: criteria provided, single submitter. Criteria: ACMG Guidelines, 2015. Collection method: clinical testing. Allele origin: germline.

Ambry Genetics
Classification: Benign for Cardiovascular phenotype. Last evaluated: 2019-03-02. Review status: criteria provided, single submitter. Criteria: Ambry Variant Classification Scheme 2023. Collection method: clinical testing. Allele origin: germline.

GeneDx
Classification: Benign. Last evaluated: 2016-09-14. Review status: criteria provided, single submitter. Criteria: GeneDx Variant Classification (06012015). Collection method: clinical testing. Allele origin: germline. Affected: yes.
Comment: This variant is considered likely benign or benign based on one or more of the following criteria: it is a conservative change, it occurs at a poorly conserved position in the protein, it is predicted to be benign by multiple in silico algorithms, and/or has population frequency not consistent with disease.

Eurofins Ntd Llc (ga)
Classification: Benign. Last evaluated: 2015-02-10. Review status: criteria provided, single submitter. Criteria: EGL Classification Definitions 2015. Collection method: clinical testing. Allele origin: germline. Observed: 1 variant allele, 1 heterozygote.

Clinical Genetics DNA and cytogenetics Diagnostics Lab, Erasmus MC, Erasmus Medical Center
Classification: Likely benign. Review status: no assertion criteria provided. Collection method: clinical testing. Allele origin: germline. Affected: yes. Study: VKGL Data-share Consensus. Not counted in ClinVar's aggregate classification.

Clinical Genetics, Academic Medical Center
Classification: Benign. Review status: no assertion criteria provided. Collection method: clinical testing. Allele origin: germline. Affected: yes. Study: VKGL Data-share Consensus. Not counted in ClinVar's aggregate classification.

NM_005477.3(HCN4):c.3587G>A (p.Arg1196His)

Gene: HCN4 (hyperpolarization activated cyclic nucleotide gated potassium channel 4; minus strand). Cytogenetic location: 15q24.1.
Variant type: single nucleotide variant.
Coding change: c.3587G>A on transcript NM_005477.3 (MANE Select); coding-DNA position 3587, G replaced by A.
Protein change: p.Arg1196His; replaces arginine 1196 with histidine.
Molecular consequence: missense variant.
Genome position (GRCh38, 1-based): chr15:73,322,506, C>T on the plus strand (G>A on the coding strand, the complement: HCN4 is on the minus strand). VCF-style: chr15-73322506-C-T. GRCh37 (hg19) VCF-style: chr15-73614847-C-T.
Other names: short protein forms R1196H.
Identifiers: ClinVar variation 198820 (VCV000198820.27), dbSNP rs147181577, ClinGen allele CA203629.